The following is an entry in ClinVar:

ClinVar aggregate classification (germline): Conflicting classifications of pathogenicity. Review status: criteria provided, conflicting classifications (1 of 4 stars). 3 submissions from 3 submitters: Uncertain significance (1); Likely benign (2). Last evaluated 2023-07-30.

Conditions:
Inborn genetic diseases. Identifiers: MedGen C0950123, MeSH D030342.
Immunodeficiency 18 (IMD18). Also called: CD3-EPSILON DEFICIENCY; CD3epsilon deficiency. Identifiers: MedGen C3810127, MONDO:0014278, OMIM 615615.

Allele frequency attached by ClinVar (database versions not stated): gnomAD exomes 0.00001 and 0.00002; ExAC 0.00003; gnomAD 0.00017 and 0.00019; TOPMed 0.00017.
gnomAD v4.1: 42 of 1,611,528 alleles (0.0026%); highest among the groups gnomAD compares: African/African-American, 0.053%; no homozygotes.

Submissions (3):

Ambry Genetics
Classification: Likely benign for Inborn genetic diseases. Last evaluated: 2023-07-30. Review status: criteria provided, single submitter. Criteria: Ambry Variant Classification Scheme 2023. Collection method: clinical testing. Allele origin: germline.

Labcorp Genetics (formerly Invitae), Labcorp
Classification: Uncertain significance for Immunodeficiency 18. Last evaluated: 2022-08-19. Review status: criteria provided, single submitter. Criteria: Invitae Variant Classification Sherloc (09022015). Collection method: clinical testing. Allele origin: germline.
Comment: This sequence change replaces glycine, which is neutral and non-polar, with serine, which is neutral and polar, at codon 30 of the CD3E protein (p.Gly30Ser). This variant is present in population databases (rs773135734, gnomAD 0.04%). This variant has not been reported in the literature in individuals affected with CD3E-related conditions. ClinVar contains an entry for this variant (Variation ID: 1414672). Algorithms developed to predict the effect of missense changes on protein structure and function output the following: SIFT: "Tolerated"; PolyPhen-2: "Benign"; Align-GVGD: "Class C0". The serine amino acid residue is found in multiple mammalian species, which suggests that this missense change does not adversely affect protein function. Algorithms developed to predict the effect of sequence changes on RNA splicing suggest that this variant may disrupt the consensus splice site. In summary, the available evidence is currently insufficient to determine the role of this variant in disease. Therefore, it has been classified as a Variant of Uncertain Significance.

Blueprint Genetics
Classification: Likely benign. Last evaluated: 2022-07-14. Review status: criteria provided, single submitter. Criteria: ACMG Guidelines, 2015. Collection method: clinical testing. Allele origin: germline.

NM_000733.4(CD3E):c.88G>A (p.Gly30Ser)

Gene: CD3E (CD3 epsilon subunit of T-cell receptor complex; plus strand). Cytogenetic location: 11q23.3.
Variant type: single nucleotide variant.
Coding change: c.88G>A on transcript NM_000733.4 (MANE Select); coding-DNA position 88, G replaced by A.
Protein change: p.Gly30Ser; replaces glycine 30 with serine.
Molecular consequence: missense variant.
Genome position (GRCh38, 1-based): chr11:118,312,155, G>A. VCF-style: chr11-118312155-G-A. GRCh37 (hg19) VCF-style: chr11-118182870-G-A.
Other names: c.88G>A (NM_000733.3); short protein forms G30S.
Identifiers: ClinVar variation 1414672 (VCV001414672.5), dbSNP rs773135734, ClinGen allele CA6301610.